The following is an entry in ClinVar:

NM_005886.3(KATNB1):c.49G>A (p.Val17Ile)

Gene: KATNB1 (katanin regulatory subunit B1; plus strand). Cytogenetic location: 16q21.
Variant type: single nucleotide variant.
Coding change: c.49G>A on transcript NM_005886.3 (MANE Select); coding-DNA position 49, G replaced by A.
Protein change: p.Val17Ile; replaces valine 17 with isoleucine.
Molecular consequence: missense variant.
Genome position (GRCh38, 1-based): chr16:57,741,695, G>A. VCF-style: chr16-57741695-G-A. GRCh37 (hg19) VCF-style: chr16-57775607-G-A.
Other names: short protein forms V17I.
Identifiers: ClinVar variation 1337474 (VCV001337474.5), dbSNP rs191188396, ClinGen allele CA8080602.

ClinVar aggregate classification (germline): Uncertain significance. Review status: criteria provided, multiple submitters, no conflicts (2 of 4 stars). 2 submissions from 2 submitters: Uncertain significance (2). Last evaluated 2023-07-07.

Allele frequency attached by ClinVar (database versions not stated): 1000 Genomes Project 30x 0.00047; ExAC 0.00008; ESP Exome Variant Server 0.00008; gnomAD exomes 0.00008; 1000 Genomes Project 0.00040; gnomAD 0.00003 and 0.00004; TOPMed 0.00006.
gnomAD v4.1: 53 of 1,613,778 alleles (0.0033%); highest among the groups gnomAD compares: East Asian, 0.051%; no homozygotes.

Submissions (2):

GeneDx
Classification: Uncertain significance. Last evaluated: 2023-07-07. Review status: criteria provided, single submitter. Criteria: GeneDx Variant Classification Process June 2021. Collection method: clinical testing. Allele origin: germline. Affected: yes.
Comment: In silico analysis supports that this missense variant does not alter protein structure/function; Has not been previously published as pathogenic or benign to our knowledge

Genetic Services Laboratory, University of Chicago
Classification: Uncertain significance. Last evaluated: 2019-12-11. Review status: criteria provided, single submitter. Criteria: ACMG Guidelines, 2015. Collection method: clinical testing. Allele origin: germline. Affected: no.